The following is an entry in ClinVar:

NM_006922.4(SCN3A):c.3683T>C (p.Ile1228Thr)

Gene: SCN3A (sodium voltage-gated channel alpha subunit 3; minus strand). Cytogenetic location: 2q24.3.
Variant type: single nucleotide variant.
Coding change: c.3683T>C on transcript NM_006922.4 (MANE Select); coding-DNA position 3683, T replaced by C.
Protein change: p.Ile1228Thr; replaces isoleucine 1228 with threonine.
Molecular consequence: missense variant.
Genome position (GRCh38, 1-based): chr2:165,113,045, A>G on the plus strand (T>C on the coding strand, the complement: SCN3A is on the minus strand). VCF-style: chr2-165113045-A-G. GRCh37 (hg19) VCF-style: chr2-165969555-A-G.
Other names: c.3536T>C, p.Ile1179Thr (NM_001081676.2, NM_001081677.2); short protein forms I1179T, I1228T.
Identifiers: ClinVar variation 1878603 (VCV001878603.4), dbSNP rs766254817, ClinGen allele CA1938731.

ClinVar aggregate classification (germline): Uncertain significance. Review status: criteria provided, multiple submitters, no conflicts (2 of 4 stars). 2 submissions from 2 submitters: Uncertain significance (2). Last evaluated 2024-04-25.

Conditions:
Epilepsy, familial focal, with variable foci 4 (FFEVF4). Identifiers: MedGen C4693694, MONDO:0054776, OMIM 617935.

Allele frequency attached by ClinVar (database versions not stated): ExAC 0.00001; TOPMed 0.00001.
gnomAD v4.1: 14 of 1,611,832 alleles (0.00087%); highest among the groups gnomAD compares: Non-Finnish European, 0.0011%; no homozygotes.

Submissions (2):

Labcorp Genetics (formerly Invitae), Labcorp
Classification: Uncertain significance. Last evaluated: 2024-04-25. Review status: criteria provided, single submitter. Criteria: Invitae Variant Classification Sherloc (09022015). Collection method: clinical testing. Allele origin: germline.
Comment: This sequence change replaces isoleucine, which is neutral and non-polar, with threonine, which is neutral and polar, at codon 1228 of the SCN3A protein (p.Ile1228Thr). This variant is present in population databases (rs766254817, gnomAD 0.003%). This variant has not been reported in the literature in individuals affected with SCN3A-related conditions. ClinVar contains an entry for this variant (Variation ID: 1878603). Advanced modeling of protein sequence and biophysical properties (such as structural, functional, and spatial information, amino acid conservation, physicochemical variation, residue mobility, and thermodynamic stability) has been performed at Invitae for this missense variant, however the output from this modeling did not meet the statistical confidence thresholds required to predict the impact of this variant on SCN3A protein function. In summary, the available evidence is currently insufficient to determine the role of this variant in disease. Therefore, it has been classified as a Variant of Uncertain Significance.

Neuberg Centre For Genomic Medicine, NCGM
Classification: Uncertain significance for Epilepsy, familial focal, with variable foci 4. Review status: criteria provided, single submitter. Criteria: ACMG Guidelines, 2015. Collection method: clinical testing. Allele origin: germline. Affected: yes.
Comment: The missense variant p.I1228T in SCN3A (NM_006922.4) has not been reported previously as a pathogenic variant nor as a benign variant, to our knowledge. There is a moderate physicochemical difference between isoleucine and threonine. The p.I1228T missense variant is predicted to be damaging by both SIFT and PolyPhen2. The isoleucine residue at codon 1228 of SCN3A is conserved in all mammalian species. The nucleotide c.3683 in SCN3A is predicted conserved by GERP++ and PhyloP across 100 vertebrates. For these reasons, this variant has been classified as Uncertain Significance.